The following is an entry in ClinVar:

ClinVar aggregate classification (germline): Uncertain significance (1 of 4 stars; one submission).

Allele frequency attached by ClinVar (database versions not stated): gnomAD exomes below 0.00001.
gnomAD v4.1: 2 of 1,613,974 alleles (0.00012%); highest among the groups gnomAD compares: Admixed American, 0.0017%; no homozygotes.

Submission:

Labcorp Genetics (formerly Invitae), Labcorp
Classification: Uncertain significance. Last evaluated: 2022-03-09. Review status: criteria provided, single submitter. Criteria: Invitae Variant Classification Sherloc (09022015). Collection method: clinical testing. Allele origin: germline.
Comment: This sequence change replaces threonine, which is neutral and polar, with isoleucine, which is neutral and non-polar, at codon 1841 of the RP1 protein (p.Thr1841Ile). This variant is present in population databases (no rsID available, gnomAD 0.003%). This variant has not been reported in the literature in individuals affected with RP1-related conditions. ClinVar contains an entry for this variant (Variation ID: 956718). Algorithms developed to predict the effect of missense changes on protein structure and function output the following: SIFT: "Deleterious"; PolyPhen-2: "Benign"; Align-GVGD: "Class C0". The isoleucine amino acid residue is found in multiple mammalian species, which suggests that this missense change does not adversely affect protein function. In summary, the available evidence is currently insufficient to determine the role of this variant in disease. Therefore, it has been classified as a Variant of Uncertain Significance.

NM_006269.2(RP1):c.5522C>T (p.Thr1841Ile)

Genes: RP1 (RP1 axonemal microtubule associated; plus strand), LOC126860392 (CDK7 strongly-dependent group 2 enhancer GRCh37_chr8:55541319-55542518; plus strand). Cytogenetic location: 8q12.1.
Variant type: single nucleotide variant.
Coding change: c.5522C>T on transcript NM_006269.2 (MANE Select); coding-DNA position 5522, C replaced by T.
Protein change: p.Thr1841Ile; replaces threonine 1841 with isoleucine.
Molecular consequence: missense variant. On other transcripts: intron variant (1).
Genome position (GRCh38, 1-based): chr8:54,629,404, C>T. VCF-style: chr8-54629404-C-T. GRCh37 (hg19) VCF-style: chr8-55541964-C-T.
Other names: c.787+7116C>T (NM_001375654.1); short protein forms T1841I.
Identifiers: ClinVar variation 956718 (VCV000956718.10), dbSNP rs947138335, ClinGen allele CA177183692.